The following is an entry in ClinVar:

NM_001114753.3(ENG):c.1573G>C (p.Glu525Gln)

Genes: ENG (endoglin; minus strand), LOC102723566 (uncharacterized LOC102723566; plus strand). Cytogenetic location: 9q34.11.
Variant type: single nucleotide variant.
Coding change: c.1573G>C on transcript NM_001114753.3 (MANE Select); coding-DNA position 1573, G replaced by C.
Protein change: p.Glu525Gln; replaces glutamic acid 525 with glutamine.
Molecular consequence: missense variant.
Genome position (GRCh38, 1-based): chr9:127,818,233, C>G on the plus strand (G>C on the coding strand, the complement: ENG is on the minus strand). VCF-style: chr9-127818233-C-G. GRCh37 (hg19) VCF-style: chr9-130580512-C-G.
Other names: c.1027G>C, p.Glu343Gln (NM_001278138.2); c.1573G>C, p.Glu525Gln (NM_000118.4); short protein forms E343Q, E525Q.
Identifiers: ClinVar variation 4870423 (VCV004870423.1).

ClinVar aggregate classification (germline): Uncertain significance (1 of 4 stars; one submission).

Conditions:
Cardiovascular phenotype. Identifiers: MedGen CN230736.

gnomAD v4.1: 2 of 1,614,224 alleles (0.00012%); highest among the groups gnomAD compares: Non-Finnish European, 0.00017%; no homozygotes.

Submission:

Ambry Genetics
Classification: Uncertain significance for Cardiovascular phenotype. Last evaluated: 2026-03-16. Review status: criteria provided, single submitter. Criteria: Ambry Variant Classification Scheme 2023. Collection method: clinical testing. Allele origin: germline.
Comment: The p.E525Q variant (also known as c.1573G>C), located in coding exon 12 of the ENG gene, results from a G to C substitution at nucleotide position 1573. The glutamic acid at codon 525 is replaced by glutamine, an amino acid with highly similar properties. This amino acid position is conserved. In addition, this alteration is predicted to be tolerated by in silico analysis. Based on the available evidence, the clinical significance of this variant remains unclear.